The following is an entry in ClinVar:

ClinVar aggregate classification (germline): Uncertain significance (1 of 4 stars; one submission).

Conditions:
Inborn genetic diseases. Identifiers: MedGen C0950123, MeSH D030342.

gnomAD v4.1: 2 of 1,601,900 alleles (0.00012%); highest among the groups gnomAD compares: Non-Finnish European, 0.00017%; no homozygotes.

Submission:

Ambry Genetics
Classification: Uncertain significance for Inborn genetic diseases. Last evaluated: 2021-08-22. Review status: criteria provided, single submitter. Criteria: Ambry Variant Classification Scheme 2023. Collection method: clinical testing. Allele origin: germline.
Comment: The p.A449T variant (also known as c.1345G>A), located in coding exon 4 of the SMAD6 gene, results from a G to A substitution at nucleotide position 1345. The alanine at codon 449 is replaced by threonine, an amino acid with similar properties. This amino acid position is conserved. In addition, this alteration is predicted to be tolerated by in silico analysis. Since supporting evidence is limited at this time, the clinical significance of this alteration remains unclear.

NM_005585.5(SMAD6):c.1345G>A (p.Ala449Thr)

Gene: SMAD6 (SMAD family member 6; plus strand). Cytogenetic location: 15q22.31.
Variant type: single nucleotide variant.
Coding change: c.1345G>A on transcript NM_005585.5 (MANE Select); coding-DNA position 1345, G replaced by A.
Protein change: p.Ala449Thr; replaces alanine 449 with threonine.
Molecular consequence: missense variant. On other transcripts: non-coding transcript variant (1).
Genome position (GRCh38, 1-based): chr15:66,781,389, G>A. VCF-style: chr15-66781389-G-A. GRCh37 (hg19) VCF-style: chr15-67073727-G-A.
Other names: short protein forms A449T.
Identifiers: ClinVar variation 1770464 (VCV001770464.2), dbSNP rs760771857, ClinGen allele CA393202348.
Genomic context (GRCh38, chr15:66,781,389, plus strand): 5'-AAGGTGCCCCCCGGCTACTCCATCAAGGTGTTCGACTTCGAGCGCTCGGGCCTGCAGCAC[G>A]CGCCCGAGCCCGACGCCGCCGACGGCCCCTACGACCCCAACAGCGTCCGCATCAGCTTCG-3'
Protein context (NP_005576.3, residues 439-459): FDFERSGLQH[Ala449Thr]PEPDAADGPY